The following is an entry in ClinVar:

ClinVar aggregate classification (germline): Uncertain significance (1 of 4 stars; one submission).

Conditions:
Leigh syndrome (NULS). Also called: Leigh's necrotizing encephalopathy; Leigh's disease; Leigh Syndrome (mtDNA deletion); Leigh Disease; Subacute necrotizing encephalopathy; Necrotizing encephalopathy infantile subacute of Leigh. Identifiers: Orphanet 506, MedGen C2931891, MONDO:0009723, OMIM 256000.

Submission:

Wong Mito Lab, Molecular and Human Genetics, Baylor College of Medicine
Classification: Uncertain significance for Leigh syndrome. Last evaluated: 2019-10-17. Review status: criteria provided, single submitter. Criteria: Modified ACMG Guidelines (Unpublished). Collection method: clinical testing. Allele origin: germline.
Comment: The NC_012920.1:m.3496G>A (YP_003024026.1:p.Ala64Thr) variant in MTND1 gene is interpretated to be a Uncertain Significance variant based on the modified ACMG guidelines (unpublished). This variant meets the following evidence codes: BP4

Literature cited by the submitters: PubMed 15972314; PubMed 10520236.

NC_012920.1(MT-ND1):m.3496G>A

Gene: MT-ND1 (mitochondrially encoded NADH dehydrogenase 1; plus strand).
Variant type: single nucleotide variant.
Genome position: chrM-3496-G-A.
Identifiers: ClinVar variation 692359 (VCV000692359.1), dbSNP rs1603218984, ClinGen allele CA414772907.